The following is an entry in ClinVar:

NM_001040108.2(MLH3):c.844A>T (p.Lys282Ter)

Gene: MLH3 (mutL homolog 3; minus strand). Cytogenetic location: 14q24.3.
Variant type: single nucleotide variant.
Coding change: c.844A>T on transcript NM_001040108.2 (MANE Select); coding-DNA position 844, A replaced by T.
Protein change: p.Lys282Ter; replaces lysine 282 with a stop codon.
Molecular consequence: nonsense.
Genome position (GRCh38, 1-based): chr14:75,048,812, T>A on the plus strand (A>T on the coding strand, the complement: MLH3 is on the minus strand). VCF-style: chr14-75048812-T-A. GRCh37 (hg19) VCF-style: chr14-75515515-T-A.
Other names: c.844A>T, p.Lys282Ter (NM_014381.3); short protein forms K282*.
Identifiers: ClinVar variation 1514732 (VCV001514732.6), dbSNP rs2139597638, ClinGen allele CA390448913.

ClinVar aggregate classification (germline): Uncertain significance (1 of 4 stars; one submission).

Conditions:
Colorectal cancer, hereditary nonpolyposis, type 7. Identifiers: Orphanet 144, MedGen C1858380, MONDO:0013725, OMIM 614385.

Submission:

Labcorp Genetics (formerly Invitae), Labcorp
Classification: Uncertain significance for Colorectal cancer, hereditary nonpolyposis, type 7. Last evaluated: 2020-11-07. Review status: criteria provided, single submitter. Criteria: Invitae Variant Classification Sherloc (09022015). Collection method: clinical testing. Allele origin: germline.
Comment: This sequence change creates a premature translational stop signal (p.Lys282*) in the MLH3 gene. It is expected to result in an absent or disrupted protein product. However, the current clinical and genetic evidence is not sufficient to establish whether loss-of-function variants in MLH3 cause disease. This variant is not present in population databases (ExAC no frequency). This variant has not been reported in the literature in individuals with MLH3-related conditions. In summary, the available evidence is currently insufficient to determine the role of this variant in disease. Therefore, it has been classified as a Variant of Uncertain Significance.